The following is an entry in ClinVar:

ClinVar aggregate classification (germline): Uncertain significance (1 of 4 stars; one submission).

Conditions:
Hyperekplexia 3 (HKPX3). Also called: HYPEREKPLEXIA 3, AUTOSOMAL RECESSIVE; HYPEREKPLEXIA 3, AUTOSOMAL DOMINANT. Identifiers: Orphanet 3197, MedGen C3553288, MONDO:0013827, OMIM 614618.

Submission:

Labcorp Genetics (formerly Invitae), Labcorp
Classification: Uncertain significance for Hyperekplexia 3. Last evaluated: 2022-07-26. Review status: criteria provided, single submitter. Criteria: Invitae Variant Classification Sherloc (09022015). Collection method: clinical testing. Allele origin: germline.
Comment: This sequence change replaces alanine, which is neutral and non-polar, with glutamic acid, which is acidic and polar, at codon 100 of the SLC6A5 protein (p.Ala100Glu). This variant is not present in population databases (gnomAD no frequency). This variant has not been reported in the literature in individuals affected with SLC6A5-related conditions. Advanced modeling of protein sequence and biophysical properties (such as structural, functional, and spatial information, amino acid conservation, physicochemical variation, residue mobility, and thermodynamic stability) performed at Invitae indicates that this missense variant is not expected to disrupt SLC6A5 protein function. In summary, the available evidence is currently insufficient to determine the role of this variant in disease. Therefore, it has been classified as a Variant of Uncertain Significance.

NM_004211.5(SLC6A5):c.299C>A (p.Ala100Glu)

Gene: SLC6A5 (solute carrier family 6 member 5; plus strand). Cytogenetic location: 11p15.1.
Variant type: single nucleotide variant.
Coding change: c.299C>A on transcript NM_004211.5 (MANE Select); coding-DNA position 299, C replaced by A.
Protein change: p.Ala100Glu; replaces alanine 100 with glutamic acid.
Molecular consequence: missense variant. On other transcripts: 5 prime UTR variant (1).
Genome position (GRCh38, 1-based): chr11:20,601,424, C>A. VCF-style: chr11-20601424-C-A. GRCh37 (hg19) VCF-style: chr11-20622970-C-A.
Other names: c.-265C>A (NM_001318369.2); short protein forms A100E.
Identifiers: ClinVar variation 2071064 (VCV002071064.1), dbSNP rs768440032, ClinGen allele CA5921032.